The following is an entry in ClinVar:

ClinVar aggregate classification (germline): Benign. Review status: criteria provided, multiple submitters, no conflicts (2 of 4 stars). 3 submissions from 3 submitters: Benign (3). Last evaluated 2026-02-03.

Allele frequency attached by ClinVar (database versions not stated): gnomAD exomes 0.07378; ExAC 0.09970; gnomAD 0.14880 and 0.15486; TOPMed 0.16574; ESP Exome Variant Server 0.17052; 1000 Genomes Project 0.17113; 1000 Genomes Project 30x 0.17877.
gnomAD v4.1: 56,669 of 951,215 alleles (6%); highest among the groups gnomAD compares: African/African-American, 43%; 4,224 homozygotes.

Submissions (3):

Labcorp Genetics (formerly Invitae), Labcorp
Classification: Benign. Last evaluated: 2026-02-03. Review status: criteria provided, single submitter. Criteria: Invitae Variant Classification Sherloc (09022015). Collection method: clinical testing. Allele origin: germline.

GeneDx
Classification: Benign. Last evaluated: 2017-09-15. Review status: criteria provided, single submitter. Criteria: GeneDx Variant Classification (06012015). Collection method: clinical testing. Allele origin: germline. Affected: yes.
Comment: This variant is considered likely benign or benign based on one or more of the following criteria: it is a conservative change, it occurs at a poorly conserved position in the protein, it is predicted to be benign by multiple in silico algorithms, and/or has population frequency not consistent with disease.

Breakthrough Genomics
Classification: Benign. Review status: criteria provided, single submitter. Criteria: ACMG Guidelines, 2015. Collection method: not provided. Allele origin: germline. Inheritance: X-linked inheritance. Affected: yes.

NM_005032.7(PLS3):c.1377+17C>T

Gene: PLS3 (plastin 3; plus strand). Cytogenetic location: Xq23.
Variant type: single nucleotide variant.
Coding change: c.1377+17C>T on transcript NM_005032.7 (MANE Select); 17 bases into the intron after coding-DNA position 1377, C replaced by T.
Molecular consequence: intron variant.
Genome position (GRCh38, 1-based): chrX:115,646,203, C>T. VCF-style: chrX-115646203-C-T. GRCh37 (hg19) VCF-style: chrX-114880523-C-T.
Other names: c.1338+17C>T (NM_001282337.2); c.1242+17C>T (NM_001282338.2); c.1377+17C>T (NM_001136025.5); c.1296+17C>T (NM_001172335.3).
Identifiers: ClinVar variation 516191 (VCV000516191.10), dbSNP rs871773, ClinGen allele CA10497059.